The following is an entry in ClinVar:

NM_000219.6(KCNE1):c.252C>T (p.Ser84=)

Gene: KCNE1 (potassium voltage-gated channel subfamily E regulatory subunit 1; minus strand). Cytogenetic location: 21q22.12.
Variant type: single nucleotide variant.
Coding change: c.252C>T on transcript NM_000219.6 (MANE Select); coding-DNA position 252, C replaced by T.
Protein change: p.Ser84=; no amino-acid change (serine 84 retained).
Molecular consequence: synonymous variant.
Genome position (GRCh38, 1-based): chr21:34,449,383, G>A on the plus strand (C>T on the coding strand, the complement: KCNE1 is on the minus strand). VCF-style: chr21-34449383-G-A. GRCh37 (hg19) VCF-style: chr21-35821681-G-A.
Other names: c.252C>T, p.Ser84= (NM_001127668.4, NM_001127669.4, NM_001127670.4 and 4 more transcripts).
Identifiers: ClinVar variation 666704 (VCV000666704.23), dbSNP rs138884514, ClinGen allele CA320425238.

ClinVar aggregate classification (germline): Benign/Likely benign. Review status: criteria provided, multiple submitters, no conflicts (2 of 4 stars). 7 submissions from 7 submitters: Benign (1); Likely benign (4). 2 of the submissions do not count toward it. Last evaluated 2025-10-04.

Conditions:
Long QT syndrome (LQTS). Identifiers: MedGen C0023976, MeSH D008133, MONDO:0002442. Disease mechanism: loss of function. Inheritance: Various modes of inheritance.
Cardiovascular phenotype. Identifiers: MedGen CN230736.

Allele frequency attached by ClinVar (database versions not stated): TOPMed 0.00006; gnomAD 0.00007 and 0.00008; ESP Exome Variant Server 0.00008; 1000 Genomes Project 30x 0.00016; 1000 Genomes Project 0.00020.
gnomAD v4.1: 100 of 1,605,106 alleles (0.0062%); highest among the groups gnomAD compares: Admixed American, 0.014%; no homozygotes.

Submissions (8):

Labcorp Genetics (formerly Invitae), Labcorp
Classification: Likely benign for Long QT syndrome. Last evaluated: 2025-10-04. Review status: criteria provided, single submitter. Criteria: Invitae Variant Classification Sherloc (09022015). Collection method: clinical testing. Allele origin: germline.

Blueprint Genetics
Classification: Likely benign. Last evaluated: 2024-10-07. Review status: criteria provided, single submitter. Criteria: ACMG Guidelines, 2015. Collection method: clinical testing. Allele origin: germline.

Ambry Genetics
Classification: Likely benign for Cardiovascular phenotype. Last evaluated: 2019-09-17. Review status: criteria provided, single submitter. Criteria: Ambry Variant Classification Scheme 2023. Collection method: clinical testing. Allele origin: germline.

GeneDx
Classification: Benign. Last evaluated: 2015-03-03. Review status: criteria provided, single submitter. Criteria: GeneDx Variant Classification Process June 2021. Collection method: clinical testing. Allele origin: germline. Affected: yes.

Laboratory for Molecular Medicine, Mass General Brigham Personalized Medicine
Classification: Likely benign. Last evaluated: 2012-04-30. Review status: criteria provided, single submitter. Criteria: LMM Criteria. Collection method: clinical testing. Allele origin: germline. Observed: 1 variant allele.
Comment: Ser84Ser in Exon 03 of KCNE1: This variant is not expected to have clinical sign ificance because it does not alter an amino acid residue, is not located within the splice consensus sequence, and has been identified in 1/3738 African America n chromosomes from a broad population by the NHLBI Exome Sequencing Project (dbSNP rs138884514).

Clinical Genetics DNA and cytogenetics Diagnostics Lab, Erasmus MC, Erasmus Medical Center
Classification: Likely benign. Review status: no assertion criteria provided. Collection method: clinical testing. Allele origin: germline. Affected: yes. Study: VKGL Data-share Consensus. Not counted in ClinVar's aggregate classification.

Clinical Genetics, Academic Medical Center
Classification: Benign. Review status: no assertion criteria provided. Collection method: clinical testing. Allele origin: germline. Affected: yes. Study: VKGL Data-share Consensus. Not counted in ClinVar's aggregate classification.

Roden Lab, Vanderbilt University Medical Center
No classification provided (evidence only). Condition: Long QT syndrome 5. Review status: no classification provided. Collection method: in vitro. Allele origin: not applicable. Functional consequence: Effect on ion channel function. Not counted in ClinVar's aggregate classification.
ClinVar note: "not provided" was previously submitted as the classification for the variant. However, the classification appeared to be based only on an observation of functional data so it was converted to no classification on 2025-07-30.